The following is an entry in ClinVar:

NM_199355.4(ADAMTS18):c.583G>A (p.Ala195Thr)

Gene: ADAMTS18 (ADAM metallopeptidase with thrombospondin type 1 motif 18; minus strand). Cytogenetic location: 16q23.1.
Variant type: single nucleotide variant.
Coding change: c.583G>A on transcript NM_199355.4 (MANE Select); coding-DNA position 583, G replaced by A.
Protein change: p.Ala195Thr; replaces alanine 195 with threonine.
Molecular consequence: missense variant. On other transcripts: synonymous variant (1).
Genome position (GRCh38, 1-based): chr16:77,367,636, C>T on the plus strand (G>A on the coding strand, the complement: ADAMTS18 is on the minus strand). VCF-style: chr16-77367636-C-T. GRCh37 (hg19) VCF-style: chr16-77401533-C-T.
Other names: c.63G>A, p.Leu21= (NM_001326358.2); short protein forms A195T.
Identifiers: ClinVar variation 855470 (VCV000855470.8), dbSNP rs2056817347, ClinGen allele CA396825726.
Genomic context (GRCh38, chr16:77,367,636, plus strand): 5'-GGTACCGCTGGATCTTCTCCTCTGCTGTCCTTTTGTACAGTACGTGAGGATGGTGACCCG[C>T]AGGGGAGCTGTAGTTGTGTTCCTGGGCCAGAAGCTGAGGTAATGGCGAGATGAGGAATTC-3'
Protein context (NP_955387.1, residues 185-205): LAQEHNYSSP[Ala195Thr]GHHPHVLYKR

ClinVar aggregate classification (germline): Uncertain significance (1 of 4 stars; one submission).

Allele frequency attached by ClinVar (database versions not stated): gnomAD exomes below 0.00001; gnomAD 0.00001.
gnomAD v4.1: 8 of 1,614,048 alleles (0.0005%); highest among the groups gnomAD compares: Admixed American, 0.0017%; no homozygotes.

Submission:

Labcorp Genetics (formerly Invitae), Labcorp
Classification: Uncertain significance. Last evaluated: 2019-11-23. Review status: criteria provided, single submitter. Criteria: Invitae Variant Classification Sherloc (09022015). Collection method: clinical testing. Allele origin: germline.
Comment: In summary, the available evidence is currently insufficient to determine the role of this variant in disease. Therefore, it has been classified as a Variant of Uncertain Significance. Algorithms developed to predict the effect of missense changes on protein structure and function output the following: SIFT: "Tolerated"; PolyPhen-2: "Benign"; Align-GVGD: "Class C0". The threonine amino acid residue is found in multiple mammalian species, suggesting that this missense change does not adversely affect protein function. These predictions have not been confirmed by published functional studies and their clinical significance is uncertain. This variant has not been reported in the literature in individuals with ADAMTS18-related conditions. This variant is not present in population databases (ExAC no frequency). This sequence change replaces alanine with threonine at codon 195 of the ADAMTS18 protein (p.Ala195Thr). The alanine residue is moderately conserved and there is a small physicochemical difference between alanine and threonine.